The following is an entry in ClinVar:

NM_000429.3(MAT1A):c.89C>T (p.Pro30Leu)

Gene: MAT1A (methionine adenosyltransferase 1A; minus strand). Cytogenetic location: 10q22.3.
Variant type: single nucleotide variant.
Coding change: c.89C>T on transcript NM_000429.3 (MANE Select); coding-DNA position 89, C replaced by T.
Protein change: p.Pro30Leu; replaces proline 30 with leucine.
Molecular consequence: missense variant.
Genome position (GRCh38, 1-based): chr10:80,289,335, G>A on the plus strand (C>T on the coding strand, the complement: MAT1A is on the minus strand). VCF-style: chr10-80289335-G-A. GRCh37 (hg19) VCF-style: chr10-82049091-G-A.
Other names: short protein forms P30L.
Identifiers: ClinVar variation 2087733 (VCV002087733.4), dbSNP rs1295088064, ClinGen allele CA377364831.

ClinVar aggregate classification (germline): Uncertain significance (1 of 4 stars; one submission).

Conditions:
Hepatic methionine adenosyltransferase deficiency. Also called: MAT I/III DEFICIENCY; Isolated Persistent Hypermethioninemia; Methionine adenosyltransferase deficiency; Deficiency of methionine adenosyltransferase. Identifiers: Orphanet 168598, MedGen C0268621, MeSH C564683, MONDO:0009607, OMIM 250850.

Allele frequency attached by ClinVar (database versions not stated): gnomAD exomes below 0.00001.
gnomAD v4.1: 4 of 1,613,654 alleles (0.00025%); highest among the groups gnomAD compares: South Asian, 0.0011%; no homozygotes.

Submission:

Labcorp Genetics (formerly Invitae), Labcorp
Classification: Uncertain significance for Hepatic methionine adenosyltransferase deficiency. Last evaluated: 2024-03-28. Review status: criteria provided, single submitter. Criteria: Invitae Variant Classification Sherloc (09022015). Collection method: clinical testing. Allele origin: germline.
Comment: This sequence change replaces proline, which is neutral and non-polar, with leucine, which is neutral and non-polar, at codon 30 of the MAT1A protein (p.Pro30Leu). This variant is present in population databases (no rsID available, gnomAD 0.002%). This variant has not been reported in the literature in individuals affected with MAT1A-related conditions. ClinVar contains an entry for this variant (Variation ID: 2087733). An algorithm developed to predict the effect of missense changes on protein structure and function (PolyPhen-2) suggests that this variant is likely to be disruptive. In summary, the available evidence is currently insufficient to determine the role of this variant in disease. Therefore, it has been classified as a Variant of Uncertain Significance.